The following is an entry in ClinVar:

ClinVar aggregate classification (germline): Conflicting classifications of pathogenicity. Review status: criteria provided, conflicting classifications (1 of 4 stars). 3 submissions from 3 submitters: Likely pathogenic (1); Uncertain significance (2). Last evaluated 2025-05-28.

Conditions:
Autosomal dominant optic atrophy classic form (OPA1). Also called: KJER-TYPE OPTIC ATROPHY; OPTIC ATROPHY, JUVENILE; Optic Atrophy Type 1. Identifiers: Orphanet 98673, MedGen C0338508, MONDO:0008134, OMIM 165500.

Allele frequency attached by ClinVar (database versions not stated): gnomAD 0.00001; ExAC 0.00002; ESP Exome Variant Server 0.00008.

Submissions (3):

Labcorp Genetics (formerly Invitae), Labcorp
Classification: Uncertain significance. Last evaluated: 2025-05-28. Review status: criteria provided, single submitter. Criteria: Invitae Variant Classification Sherloc (09022015). Collection method: clinical testing. Allele origin: germline.
Comment: This sequence change replaces arginine, which is basic and polar, with cysteine, which is neutral and slightly polar, at codon 101 of the OPA1 protein (p.Arg101Cys). This variant is present in population databases (rs371943668, gnomAD 0.004%). This variant has not been reported in the literature in individuals affected with OPA1-related conditions. ClinVar contains an entry for this variant (Variation ID: 1446789). Invitae Evidence Modeling of protein sequence and biophysical properties (such as structural, functional, and spatial information, amino acid conservation, physicochemical variation, residue mobility, and thermodynamic stability) indicates that this missense variant is expected to disrupt OPA1 protein function with a positive predictive value of 80%. In summary, the available evidence is currently insufficient to determine the role of this variant in disease. Therefore, it has been classified as a Variant of Uncertain Significance.

DBGen Ocular Genomics
Classification: Likely pathogenic for Autosomal dominant optic atrophy classic form. Last evaluated: 2023-01-01. Review status: criteria provided, single submitter. Criteria: ACMG Guidelines, 2015. Collection method: clinical testing. Allele origin: inherited. Inheritance: Autosomal dominant inheritance. Affected: yes.
Comment: Class 4 ACMG Guidelines, 2015

Mayo Clinic Laboratories, Mayo Clinic
Classification: Uncertain significance. Last evaluated: 2021-07-15. Review status: criteria provided, single submitter. Criteria: ACMG Guidelines, 2015. Collection method: clinical testing. Allele origin: germline.

NM_130837.3(OPA1):c.301C>T (p.Arg101Cys)

Gene: OPA1 (OPA1 mitochondrial dynamin like GTPase; plus strand). Cytogenetic location: 3q29.
Variant type: single nucleotide variant.
Coding change: c.301C>T on transcript NM_130837.3 (MANE Select); coding-DNA position 301, C replaced by T.
Protein change: p.Arg101Cys; replaces arginine 101 with cysteine.
Molecular consequence: missense variant. On other transcripts: 5 prime UTR variant (2).
Genome position (GRCh38, 1-based): chr3:193,614,991, C>T. VCF-style: chr3-193614991-C-T. GRCh37 (hg19) VCF-style: chr3-193332780-C-T.
Other names: p.Arg101Cys; c.-72C>T (NM_001354663.2, NM_001354664.2); c.301C>T, p.Arg101Cys (NM_015560.3, NM_130831.3, NM_130832.3 and 4 more transcripts); short protein forms R101C.
Identifiers: ClinVar variation 1446789 (VCV001446789.11), dbSNP rs371943668, ClinGen allele CA2758973.
Genomic context (GRCh38, chr3:193,614,991, plus strand): 5'-GGCTACCAGCCTCGCAGGAATTTTTGGCCAGCAAGATTAGCTACGAGACTCTTAAAACTT[C>T]GCTATCTCATACTAGGATCGGCTGTTGGGGGTGGCTACACAGCCAAAAAGGTGAACTTGA-3'
Protein context (NP_570850.2, residues 91-111): ARLATRLLKL[Arg101Cys]YLILGSAVGG